The following is an entry in ClinVar:

ClinVar aggregate classification (germline): Uncertain significance. Review status: criteria provided, multiple submitters, no conflicts (2 of 4 stars). 3 submissions from 3 submitters: Uncertain significance (3). Last evaluated 2026-05-18.

Conditions:
Cardiovascular phenotype. Identifiers: MedGen CN230736.

Allele frequency attached by ClinVar (database versions not stated): gnomAD exomes 0.00001.
gnomAD v4.1: 3 of 1,613,004 alleles (0.00019%); highest among the groups gnomAD compares: Non-Finnish European, 0.00025%; no homozygotes.

Submissions (3):

Women's Health and Genetics/Laboratory Corporation of America, LabCorp
Classification: Uncertain significance. Last evaluated: 2026-05-18. Review status: criteria provided, single submitter. Criteria: LabCorp Variant Classification Summary - May 2015. Collection method: clinical testing. Allele origin: germline.
Comment: Variant summary: PRDM5 c.976A>G (p.Met326Val) results in a conservative amino acid change in the encoded protein sequence. Algorithms developed to predict the effect of missense changes on protein structure and function all suggest that this variant is likely to be tolerated. The variant was absent in 250490 control chromosomes. The available data on variant occurrences in the general population are insufficient to allow any conclusion about variant significance. To our knowledge, no occurrence of c.976A>G in individuals affected with PRDM5-related conditions and no experimental evidence demonstrating its impact on protein function have been reported. ClinVar contains an entry for this variant (Variation ID: 3227148). Based on the evidence outlined above, the variant was classified as uncertain significance.

GeneDx
Classification: Uncertain significance. Last evaluated: 2024-07-29. Review status: criteria provided, single submitter. Criteria: GeneDx Variant Classification Process June 2021. Collection method: clinical testing. Allele origin: germline. Affected: yes.
Comment: Not observed at significant frequency in large population cohorts (gnomAD); In silico analysis indicates that this missense variant does not alter protein structure/function; Has not been previously published as pathogenic or benign to our knowledge

Ambry Genetics
Classification: Uncertain significance for Cardiovascular phenotype. Last evaluated: 2024-02-24. Review status: criteria provided, single submitter. Criteria: Ambry Variant Classification Scheme 2023. Collection method: clinical testing. Allele origin: germline.
Comment: The p.M326V variant (also known as c.976A>G), located in coding exon 9 of the PRDM5 gene, results from an A to G substitution at nucleotide position 976. The methionine at codon 326 is replaced by valine, an amino acid with highly similar properties. This amino acid position is conserved. In addition, this alteration is predicted to be tolerated by in silico analysis. Based on the available evidence, the clinical significance of this alteration remains unclear.

NM_018699.4(PRDM5):c.976A>G (p.Met326Val)

Gene: PRDM5 (PR/SET domain 5; minus strand). Cytogenetic location: 4q27.
Variant type: single nucleotide variant.
Coding change: c.976A>G on transcript NM_018699.4 (MANE Select); coding-DNA position 976, A replaced by G.
Protein change: p.Met326Val; replaces methionine 326 with valine.
Molecular consequence: missense variant.
Genome position (GRCh38, 1-based): chr4:120,799,715, T>C on the plus strand (A>G on the coding strand, the complement: PRDM5 is on the minus strand). VCF-style: chr4-120799715-T-C. GRCh37 (hg19) VCF-style: chr4-121720870-T-C.
Other names: c.883A>G, p.Met295Val (NM_001300823.2, NM_001300824.2, NM_001379106.1); c.976A>G, p.Met326Val (NM_001379104.1); short protein forms M295V, M326V.
Identifiers: ClinVar variation 3227148 (VCV003227148.3), dbSNP rs1751846096, ClinGen allele CA358210509.